The following is an entry in ClinVar:

ClinVar aggregate classification (germline): Uncertain significance (1 of 4 stars; one submission).

gnomAD v4.1: 20 of 1,614,040 alleles (0.0012%); highest among the groups gnomAD compares: South Asian, 0.015%; no homozygotes.

Submission:

Labcorp Genetics (formerly Invitae), Labcorp
Classification: Uncertain significance. Last evaluated: 2025-05-19. Review status: criteria provided, single submitter. Criteria: Invitae Variant Classification Sherloc (09022015). Collection method: clinical testing. Allele origin: germline.
Comment: This sequence change replaces proline, which is neutral and non-polar, with alanine, which is neutral and non-polar, at codon 690 of the ENPP1 protein (p.Pro690Ala). This variant is present in population databases (rs199905220, gnomAD 0.01%). This variant has not been reported in the literature in individuals affected with ENPP1-related conditions. ClinVar contains an entry for this variant (Variation ID: 2999520). Invitae Evidence Modeling of protein sequence and biophysical properties (such as structural, functional, and spatial information, amino acid conservation, physicochemical variation, residue mobility, and thermodynamic stability) indicates that this missense variant is not expected to disrupt ENPP1 protein function with a negative predictive value of 80%. In summary, the available evidence is currently insufficient to determine the role of this variant in disease. Therefore, it has been classified as a Variant of Uncertain Significance.

NM_006208.3(ENPP1):c.2068C>G (p.Pro690Ala)

Gene: ENPP1 (ectonucleotide pyrophosphatase/phosphodiesterase 1; plus strand). Cytogenetic location: 6q23.2.
Variant type: single nucleotide variant.
Coding change: c.2068C>G on transcript NM_006208.3 (MANE Select); coding-DNA position 2068, C replaced by G.
Protein change: p.Pro690Ala; replaces proline 690 with alanine.
Molecular consequence: missense variant.
Genome position (GRCh38, 1-based): chr6:131,880,002, C>G. VCF-style: chr6-131880002-C-G. GRCh37 (hg19) VCF-style: chr6-132201142-C-G.
Other names: short protein forms P690A.
Identifiers: ClinVar variation 2999520 (VCV002999520.3), dbSNP rs199905220, ClinGen allele CA4002406.